The following is an entry in ClinVar:

ClinVar aggregate classification (germline): Uncertain significance (1 of 4 stars; one submission).

Allele frequency attached by ClinVar (database versions not stated): TOPMed 0.00001; gnomAD 0.00003.
gnomAD v4.1: 8 of 1,611,818 alleles (0.0005%); highest among the groups gnomAD compares: Admixed American, 0.005%; no homozygotes.

Submission:

Labcorp Genetics (formerly Invitae), Labcorp
Classification: Uncertain significance. Last evaluated: 2021-11-27. Review status: criteria provided, single submitter. Criteria: Invitae Variant Classification Sherloc (09022015). Collection method: clinical testing. Allele origin: germline.
Comment: This sequence change replaces glutamic acid, which is acidic and polar, with aspartic acid, which is acidic and polar, at codon 1147 of the CARMIL2 protein (p.Glu1147Asp). This variant is present in population databases (no rsID available, gnomAD 0.007%). This variant has not been reported in the literature in individuals affected with CARMIL2-related conditions. Algorithms developed to predict the effect of missense changes on protein structure and function (SIFT, PolyPhen-2, Align-GVGD) all suggest that this variant is likely to be tolerated. In summary, the available evidence is currently insufficient to determine the role of this variant in disease. Therefore, it has been classified as a Variant of Uncertain Significance.

NM_001013838.3(CARMIL2):c.3441G>T (p.Glu1147Asp)

Gene: CARMIL2 (capping protein regulator and myosin 1 linker 2; plus strand). Cytogenetic location: 16q22.1.
Variant type: single nucleotide variant.
Coding change: c.3441G>T on transcript NM_001013838.3 (MANE Select); coding-DNA position 3441, G replaced by T.
Protein change: p.Glu1147Asp; replaces glutamic acid 1147 with aspartic acid.
Molecular consequence: missense variant.
Genome position (GRCh38, 1-based): chr16:67,654,551, G>T. VCF-style: chr16-67654551-G-T. GRCh37 (hg19) VCF-style: chr16-67688454-G-T.
Other names: c.3333G>T, p.Glu1111Asp (NM_001317026.3); short protein forms E1147D, E1111D.
Identifiers: ClinVar variation 1391852 (VCV001391852.3), dbSNP rs1243762530, ClinGen allele CA396344920.